The following is an entry in ClinVar:

NM_001277115.2(DNAH11):c.4395dup (p.Gln1466fs)

Gene: DNAH11 (dynein axonemal heavy chain 11; plus strand). Cytogenetic location: 7p15.3.
Variant type: Duplication.
Coding change: c.4395dup on transcript NM_001277115.2 (MANE Select); coding-DNA position 4395, one base duplicated (T; older notation c.4395dupT).
Protein change: p.Gln1466fs; shifts the reading frame from glutamine 1466.
Molecular consequence: frameshift variant.
Genome position (GRCh38, 1-based): chr7:21,619,973, T duplicated. VCF-style (leftmost placement, unchanged base first): chr7-21619972-G-GT. GRCh37 (hg19) VCF-style: chr7-21659590-G-GT.
Other names: c.4410dup, p.Gln1471Serfs (NM_003777.3); short protein forms Q1466fs.
Identifiers: ClinVar variation 2097333 (VCV002097333.4), dbSNP rs1785964296, ClinGen allele CA1693572715.

ClinVar aggregate classification (germline): Pathogenic (1 of 4 stars; one submission).

Conditions:
Primary ciliary dyskinesia. Also called: Ciliary dyskinesia. Identifiers: Orphanet 244, MedGen C0008780, MONDO:0016575, HP:0012265.

Allele frequency attached by ClinVar (database versions not stated): TOPMed below 0.00001.

Submission:

Labcorp Genetics (formerly Invitae), Labcorp
Classification: Pathogenic for Primary ciliary dyskinesia. Last evaluated: 2023-07-10. Review status: criteria provided, single submitter. Criteria: Invitae Variant Classification Sherloc (09022015). Collection method: clinical testing. Allele origin: germline.
Comment: For these reasons, this variant has been classified as Pathogenic. ClinVar contains an entry for this variant (Variation ID: 2097333). This variant has not been reported in the literature in individuals affected with DNAH11-related conditions. This variant is not present in population databases (gnomAD no frequency). This sequence change creates a premature translational stop signal (p.Gln1466Serfs*24) in the DNAH11 gene. It is expected to result in an absent or disrupted protein product. Loss-of-function variants in DNAH11 are known to be pathogenic (PMID: 18022865, 20513915, 22184204).

Literature cited by the submitters: PubMed 18022865; PubMed 20513915; PubMed 22184204.